The following is an entry in ClinVar:

ClinVar aggregate classification (germline): Uncertain significance (1 of 4 stars; one submission).

Conditions:
Granulomatous disease, chronic, X-linked. Also called: CYTOCHROME b-NEGATIVE GRANULOMATOUS DISEASE, CHRONIC, X-LINKED; GRANULOMATOUS DISEASE, CHRONIC, X-LINKED, SOMATIC MOSAIC. Identifiers: Orphanet 379, MedGen C1844376, MONDO:0010600, OMIM 306400.

Submission:

Labcorp Genetics (formerly Invitae), Labcorp
Classification: Uncertain significance for Granulomatous disease, chronic, X-linked. Last evaluated: 2025-12-01. Review status: criteria provided, single submitter. Criteria: Invitae Variant Classification Sherloc (09022015). Collection method: clinical testing. Allele origin: germline.
Comment: This sequence change replaces histidine, which is basic and polar, with proline, which is neutral and non-polar, at codon 239 of the CYBB protein (p.His239Pro). This variant is not present in population databases (gnomAD no frequency). This variant has not been reported in the literature in individuals affected with CYBB-related conditions. Invitae Evidence Modeling of protein sequence and biophysical properties (such as structural, functional, and spatial information, amino acid conservation, physicochemical variation, residue mobility, and thermodynamic stability) indicates that this missense variant is expected to disrupt CYBB protein function with a positive predictive value of 95%. In summary, the available evidence is currently insufficient to determine the role of this variant in disease. Therefore, it has been classified as a Variant of Uncertain Significance.

NM_000397.4(CYBB):c.716A>C (p.His239Pro)

Gene: CYBB (cytochrome b-245 beta chain; plus strand). Cytogenetic location: Xp21.1.
Variant type: single nucleotide variant.
Coding change: c.716A>C on transcript NM_000397.4 (MANE Select); coding-DNA position 716, A replaced by C.
Protein change: p.His239Pro; replaces histidine 239 with proline.
Molecular consequence: missense variant.
Genome position (GRCh38, 1-based): chrX:37,798,996, A>C. VCF-style: chrX-37798996-A-C. GRCh37 (hg19) VCF-style: chrX-37658249-A-C.
Other names: short protein forms H239P.
Identifiers: ClinVar variation 4800996 (VCV004800996.1).
Genomic context (GRCh38, chrX:37,798,996, plus strand): 5'-ACTTACATTTTTCACCCAGACGAATTGTACGTGGGCAGACCGCAGAGAGTTTGGCTGTGC[A>C]TAATATAACAGTTTGTGAACAAAAAATCTCAGAATGGGGAAAAATAAAGGAATGCCCAAT-3'
Protein context (NP_000388.2, residues 229-249): RGQTAESLAV[His239Pro]NITVCEQKIS